The following is an entry in ClinVar:

ClinVar aggregate classification (germline): Uncertain significance (1 of 4 stars; one submission).

gnomAD v4.1: 1 of 1,613,700 alleles (0.000062%); highest among the groups gnomAD compares: Non-Finnish European, 0.000085%; no homozygotes.

Submission:

Labcorp Genetics (formerly Invitae), Labcorp
Classification: Uncertain significance. Last evaluated: 2024-06-16. Review status: criteria provided, single submitter. Criteria: Invitae Variant Classification Sherloc (09022015). Collection method: clinical testing. Allele origin: germline.
Comment: This sequence change replaces glycine, which is neutral and non-polar, with aspartic acid, which is acidic and polar, at codon 2760 of the MYCBP2 protein (p.Gly2760Asp). This variant is not present in population databases (gnomAD no frequency). This variant has not been reported in the literature in individuals affected with MYCBP2-related conditions. An algorithm developed to predict the effect of missense changes on protein structure and function (PolyPhen-2) suggests that this variant is likely to be tolerated. In summary, the available evidence is currently insufficient to determine the role of this variant in disease. Therefore, it has been classified as a Variant of Uncertain Significance.

NM_015057.5(MYCBP2):c.8279G>A (p.Gly2760Asp)

Gene: MYCBP2 (MYC binding protein 2; minus strand). Cytogenetic location: 13q22.3.
Variant type: single nucleotide variant.
Coding change: c.8279G>A on transcript NM_015057.5 (MANE Select); coding-DNA position 8279, G replaced by A.
Protein change: p.Gly2760Asp; replaces glycine 2760 with aspartic acid.
Molecular consequence: missense variant.
Genome position (GRCh38, 1-based): chr13:77,098,875, C>T on the plus strand (G>A on the coding strand, the complement: MYCBP2 is on the minus strand). VCF-style: chr13-77098875-C-T. GRCh37 (hg19) VCF-style: chr13-77673010-C-T.
Other names: short protein forms G2760D.
Identifiers: ClinVar variation 3702355 (VCV003702355.2).